The following is an entry in ClinVar:

ClinVar aggregate classification (germline): Uncertain significance (1 of 4 stars; one submission).

Conditions:
Cardiovascular phenotype. Identifiers: MedGen CN230736.

Submission:

Ambry Genetics
Classification: Uncertain significance for Cardiovascular phenotype. Last evaluated: 2022-11-15. Review status: criteria provided, single submitter. Criteria: Ambry Variant Classification Scheme 2023. Collection method: clinical testing. Allele origin: germline.
Comment: The p.V2245G variant (also known as c.6734T>G), located in coding exon 8 of the ALMS1 gene, results from a T to G substitution at nucleotide position 6734. The valine at codon 2245 is replaced by glycine, an amino acid with dissimilar properties. This amino acid position is poorly conserved in available vertebrate species. In addition, this alteration is predicted to be tolerated by in silico analysis. Since supporting evidence is limited at this time, the clinical significance of this alteration remains unclear.

NM_001378454.1(ALMS1):c.6731T>G (p.Val2244Gly)

Gene: ALMS1 (ALMS1 centrosome and basal body associated protein; plus strand). Cytogenetic location: 2p13.1.
Variant type: single nucleotide variant.
Coding change: c.6731T>G on transcript NM_001378454.1 (MANE Select); coding-DNA position 6731, T replaced by G.
Protein change: p.Val2244Gly; replaces valine 2244 with glycine.
Molecular consequence: missense variant.
Genome position (GRCh38, 1-based): chr2:73,453,258, T>G. VCF-style: chr2-73453258-T-G. GRCh37 (hg19) VCF-style: chr2-73680385-T-G.
Other names: c.6734T>G, p.Val2245Gly (NM_015120.4); short protein forms V2244G, V2245G.
Identifiers: ClinVar variation 2449581 (VCV002449581.2), dbSNP rs1671987655, ClinGen allele CA347289176.